The following is an entry in ClinVar:

ClinVar aggregate classification (germline): Uncertain significance (1 of 4 stars; one submission).

Conditions:
Familial cancer of breast. Also called: hereditary breast carcinoma; Hereditary breast cancer; BREAST CANCER, FAMILIAL. Identifiers: Orphanet 227535, MedGen C0346153, MONDO:0016419, OMIM 114480. Disease mechanism: loss of function.
Fanconi anemia complementation group J. Also called: BRIP1-Related Fanconi Anemia. Identifiers: Orphanet 84, MedGen C1836860, MONDO:0012187, OMIM 609054.

Submission:

Labcorp Genetics (formerly Invitae), Labcorp
Classification: Uncertain significance for Familial cancer of breast; Fanconi anemia complementation group J. Last evaluated: 2022-02-03. Review status: criteria provided, single submitter. Criteria: Invitae Variant Classification Sherloc (09022015). Collection method: clinical testing. Allele origin: germline.
Comment: This sequence change replaces lysine, which is basic and polar, with arginine, which is basic and polar, at codon 1052 of the BRIP1 protein (p.Lys1052Arg). This variant is not present in population databases (gnomAD no frequency). This variant has not been reported in the literature in individuals affected with BRIP1-related conditions. Algorithms developed to predict the effect of missense changes on protein structure and function output the following: SIFT: "Tolerated"; PolyPhen-2: "Benign"; Align-GVGD: "Class C0". The arginine amino acid residue is found in multiple mammalian species, which suggests that this missense change does not adversely affect protein function. Algorithms developed to predict the effect of sequence changes on RNA splicing suggest that this variant may create or strengthen a splice site. In summary, the available evidence is currently insufficient to determine the role of this variant in disease. Therefore, it has been classified as a Variant of Uncertain Significance.

NM_032043.3(BRIP1):c.3155A>G (p.Lys1052Arg)

Gene: BRIP1 (BRCA1 interacting DNA helicase 1; minus strand). Cytogenetic location: 17q23.2.
Variant type: single nucleotide variant.
Coding change: c.3155A>G on transcript NM_032043.3 (MANE Select); coding-DNA position 3155, A replaced by G.
Protein change: p.Lys1052Arg; replaces lysine 1052 with arginine.
Molecular consequence: missense variant.
Genome position (GRCh38, 1-based): chr17:61,683,891, T>C on the plus strand (A>G on the coding strand, the complement: BRIP1 is on the minus strand). VCF-style: chr17-61683891-T-C. GRCh37 (hg19) VCF-style: chr17-59761252-T-C.
Other names: short protein forms K1052R.
Identifiers: ClinVar variation 2092451 (VCV002092451.4), dbSNP rs2144086298, ClinGen allele CA400479518.